The following is an entry in ClinVar:

ClinVar aggregate classification (germline): Uncertain significance (1 of 4 stars; one submission).

Conditions:
Neuromuscular disease caused by qualitative or quantitative defects of dysferlin. Also called: Dysferlinopathy; Qualitative or quantitative defects of dysferlin. Identifiers: Orphanet 207073, MedGen C2931687, MONDO:0016145.

Allele frequency attached by ClinVar (database versions not stated): TOPMed below 0.00001; gnomAD 0.00001.
gnomAD v4.1: 16 of 1,613,332 alleles (0.00099%); highest among the groups gnomAD compares: Non-Finnish European, 0.0013%; 1 homozygote.

Submission:

Labcorp Genetics (formerly Invitae), Labcorp
Classification: Uncertain significance for Neuromuscular disease caused by qualitative or quantitative defects of dysferlin. Last evaluated: 2018-08-30. Review status: criteria provided, single submitter. Criteria: Invitae Variant Classification Sherloc (09022015). Collection method: clinical testing. Allele origin: germline.
Comment: This sequence change falls in intron 16 of the DYSF gene. It does not directly change the encoded amino acid sequence of the DYSF protein, but it affects a nucleotide within the consensus splice site of the intron. This variant is not present in population databases (ExAC no frequency). This variant has not been reported in the literature in individuals with DYSF-related disease. Nucleotide substitutions within the consensus splice site are a relatively common cause of aberrant splicing (PMID: 17576681, 9536098). Algorithms developed to predict the effect of sequence changes on RNA splicing suggest that this variant is not likely to affect RNA splicing, but this prediction has not been confirmed by published transcriptional studies. In summary, the available evidence is currently insufficient to determine the role of this variant in disease. Therefore, it has been classified as a Variant of Uncertain Significance.

Literature cited by the submitters: PubMed 17576681; PubMed 9536098.

NM_001130987.2(DYSF):c.1576+4T>A

Gene: DYSF (dysferlin; plus strand). Cytogenetic location: 2p13.2.
Variant type: single nucleotide variant.
Coding change: c.1576+4T>A on transcript NM_001130987.2 (MANE Select); 4 bases into the intron after coding-DNA position 1576, T replaced by A.
Molecular consequence: intron variant.
Genome position (GRCh38, 1-based): chr2:71,539,243, T>A. VCF-style: chr2-71539243-T-A. GRCh37 (hg19) VCF-style: chr2-71766373-T-A.
Other names: c.1573+4T>A (NM_001130979.2, NM_001130981.2, NM_001130980.2); c.1480+4T>A (NM_001130978.2, NM_003494.4, NM_001130977.2 and 1 more transcripts); c.1576+4T>A (NM_001130982.2, NM_001130985.2); c.1483+4T>A (NM_001130983.2, NM_001130455.2, NM_001130984.2 and 1 more transcripts).
Identifiers: ClinVar variation 2148626 (VCV002148626.1), dbSNP rs1276931027, ClinGen allele CA533257308.